The following is an entry in ClinVar:

NM_206926.2(SELENON):c.1016C>G (p.Ser339Cys)

Gene: SELENON (selenoprotein N; plus strand). Cytogenetic location: 1p36.11.
Variant type: single nucleotide variant.
Coding change: c.1016C>G on transcript NM_206926.2 (MANE Select); coding-DNA position 1016, C replaced by G.
Protein change: p.Ser339Cys; replaces serine 339 with cysteine.
Molecular consequence: missense variant.
Genome position (GRCh38, 1-based): chr1:25,811,716, C>G. VCF-style: chr1-25811716-C-G. GRCh37 (hg19) VCF-style: chr1-26138207-C-G.
Other names: c.1118C>G, p.Ser373Cys (NM_020451.3); short protein forms S339C, S373C.
Identifiers: ClinVar variation 2096065 (VCV002096065.4), dbSNP rs769769668, ClinGen allele CA696772.

ClinVar aggregate classification (germline): Uncertain significance (1 of 4 stars; one submission).

Conditions:
Eichsfeld type congenital muscular dystrophy (CMYO3). Also called: Rigid spine muscular dystrophy 1; MYOPATHY, SEPN1-RELATED; SELENON-related myopathy; Congenital myopathy 3 with rigid spine. Identifiers: MedGen C0410180, MONDO:0100100, OMIM 602771.

Allele frequency attached by ClinVar (database versions not stated): gnomAD exomes below 0.00001; TOPMed below 0.00001; ExAC 0.00001.
gnomAD v4.1: 2 of 1,608,004 alleles (0.00012%); highest among the groups gnomAD compares: Admixed American, 0.0034%; no homozygotes.

Submission:

Labcorp Genetics (formerly Invitae), Labcorp
Classification: Uncertain significance for Eichsfeld type congenital muscular dystrophy. Last evaluated: 2022-02-10. Review status: criteria provided, single submitter. Criteria: Invitae Variant Classification Sherloc (09022015). Collection method: clinical testing. Allele origin: germline.
Comment: In summary, the available evidence is currently insufficient to determine the role of this variant in disease. Therefore, it has been classified as a Variant of Uncertain Significance. Algorithms developed to predict the effect of missense changes on protein structure and function (SIFT, PolyPhen-2, Align-GVGD) all suggest that this variant is likely to be disruptive. This variant has not been reported in the literature in individuals affected with SELENON-related conditions. This variant is present in population databases (rs769769668, gnomAD 0.006%). This sequence change replaces serine, which is neutral and polar, with cysteine, which is neutral and slightly polar, at codon 373 of the SELENON protein (p.Ser373Cys).